The following is an entry in ClinVar:

ClinVar aggregate classification (germline): Uncertain significance. Review status: criteria provided, multiple submitters, no conflicts (2 of 4 stars). 2 submissions from 2 submitters: Uncertain significance (2). Last evaluated 2023-09-11.

Conditions:
Ullrich congenital muscular dystrophy 2 (UCMD2). Identifiers: Orphanet 75840, MedGen C4225314, MONDO:0014654, OMIM 616470.
Bethlem myopathy 2 (BTHLM2). Identifiers: Orphanet 536516, Orphanet 610, MedGen C4225313, MONDO:0034022, OMIM 616471.

gnomAD v4.1: 2 of 1,609,916 alleles (0.00012%); highest among the groups gnomAD compares: Non-Finnish European, 0.00017%; no homozygotes.

Submissions (2):

Revvity Omics, Revvity
Classification: Uncertain significance. Last evaluated: 2023-09-11. Review status: criteria provided, single submitter. Criteria: ACMG Guidelines, 2015. Collection method: clinical testing. Allele origin: germline.

Labcorp Genetics (formerly Invitae), Labcorp
Classification: Uncertain significance for Bethlem myopathy 2; Ullrich congenital muscular dystrophy 2. Last evaluated: 2022-01-21. Review status: criteria provided, single submitter. Criteria: Invitae Variant Classification Sherloc (09022015). Collection method: clinical testing. Allele origin: germline.
Comment: In summary, the available evidence is currently insufficient to determine the role of this variant in disease. Therefore, it has been classified as a Variant of Uncertain Significance. Algorithms developed to predict the effect of missense changes on protein structure and function are either unavailable or do not agree on the potential impact of this missense change (SIFT: "Deleterious"; PolyPhen-2: "Probably Damaging"; Align-GVGD: "Class C0"). This missense change has been observed in individual(s) with clinical features of autosomal dominant COL12A1-related conditions (Invitae). This variant is not present in population databases (gnomAD no frequency). This sequence change replaces glycine, which is neutral and non-polar, with glutamic acid, which is acidic and polar, at codon 65 of the COL12A1 protein (p.Gly65Glu).

NM_004370.6(COL12A1):c.194G>A (p.Gly65Glu)

Gene: COL12A1 (collagen type XII alpha 1 chain; minus strand). Cytogenetic location: 6q13.
Variant type: single nucleotide variant.
Coding change: c.194G>A on transcript NM_004370.6 (MANE Select); coding-DNA position 194, G replaced by A.
Protein change: p.Gly65Glu; replaces glycine 65 with glutamic acid.
Molecular consequence: missense variant. On other transcripts: intron variant (1).
Genome position (GRCh38, 1-based): chr6:75,192,352, C>T on the plus strand (G>A on the coding strand, the complement: COL12A1 is on the minus strand). VCF-style: chr6-75192352-C-T. GRCh37 (hg19) VCF-style: chr6-75902068-C-T.
Other names: c.73+10368G>A (NM_080645.3); short protein forms G65E.
Identifiers: ClinVar variation 1371021 (VCV001371021.7), dbSNP rs2149479257, ClinGen allele CA364731330.
Genomic context (GRCh38, chr6:75,192,352, plus strand): 5'-ACAAGTTCTGACAATAAAGTTTCAGTGGTACTAGCTGAAAGGGTAAATTCTTTAGTAGGC[C>T]CATCTGGAAATATAAAAAGGAAAAATATGAATGCAACAAAACATTTTTCACATATAACAC-3'
Protein context (NP_004361.3, residues 55-75): YRITVDPTTD[Gly65Glu]PTKEFTLSAS